The following continues an entry in ClinVar:

NM_000303.3(PMM2):c.255+2T>C

Gene: PMM2. ClinVar aggregate classification (germline): Pathogenic/Likely pathogenic. Pathogenic (16); Likely pathogenic (1).

Submissions 12 to 19 of 19:

Ambry Genetics
Classification: Pathogenic for Inborn genetic diseases. Last evaluated: 2021-03-25. Review status: criteria provided, single submitter. Criteria: Ambry Variant Classification Scheme 2023. Collection method: clinical testing. Allele origin: germline.
Comment: The c.255+2T>C intronic variant results from a T to C substitution two nucleotides after coding exon 3 of the PMM2 gene. Alterations that disrupt the canonical splice site are expected to cause aberrant splicing, resulting in an abnormal protein or a transcript that is subject to nonsense-mediated mRNA decay. Based on data from the Genome Aggregation Database (gnomAD) database, the PMM2 c.255+2T>C alteration was observed in 0.01% (19/282690) of total alleles studied, with a frequency of 0.01% (5/35424) in the Latino subpopulation. This mutation (also known as IVS3+2C>T in the literature) has been detected as compound heterozygous with a second PMM2 mutation in many individuals with congenital disorder of glycosylation 1A (Hou, 2020; Matthijs,1999; Gr&uuml;newald, 2001; Briones, 2002). This nucleotide position is highly conserved in available vertebrate species. This mutation was shown to significantly impact phosphomannomutase activity in fibroblasts and leukocytes compared to wild type (Gr&uuml;newald, 2001). In silico splice site analysis predicts that this alteration will weaken the native splice donor site. Based on the available evidence, this alteration is classified as pathogenic.

Johns Hopkins Genomics, Johns Hopkins University
Classification: Pathogenic for PMM2-congenital disorder of glycosylation. Last evaluated: 2020-05-19. Review status: criteria provided, single submitter. Criteria: ACMG Guidelines, 2015. Collection method: clinical testing. Allele origin: germline.
Comment: This PMM2 variant is predicted to destroy the native canonical splice donor site in exon 2. PMM2 c.255+2T>C has been reported in an individual with congenital disorder of glycosylation. This variant (rs139716296) is rare (<0.1%) in a large population dataset (gnomAD: 19/282690 total alleles; 0.007%; no homozygotes) and has been reported in ClinVar. We consider this variant to be pathogenic.

Diagnostic Laboratory, Strasbourg University Hospital
Classification: Pathogenic for Intellectual disability. Last evaluated: 2020-04-20. Review status: criteria provided, single submitter. Criteria: ACMG Guidelines, 2015. Collection method: clinical testing. Allele origin: maternal. Inheritance: Autosomal recessive inheritance. Affected: yes. Observed: 1 heterozygote.

Fulgent Genetics
Classification: Pathogenic for PMM2-congenital disorder of glycosylation. Last evaluated: 2018-10-31. Review status: criteria provided, single submitter. Criteria: ACMG Guidelines, 2015. Collection method: clinical testing. Allele origin: unknown.

Women's Health and Genetics/Laboratory Corporation of America, LabCorp
Classification: Pathogenic for Carbohydrate-deficient glycoprotein syndrome type I. Last evaluated: 2018-05-11. Review status: criteria provided, single submitter. Criteria: LabCorp Variant Classification Summary - May 2015. Collection method: clinical testing. Allele origin: germline.
Comment: Variant summary: PMM2 c.255+2T>C is located in a canonical splice-site and is predicted to affect mRNA splicing resulting in a significantly altered protein due to either exon skipping, shortening, or inclusion of intronic material. Several computational tools predict a significant impact on normal splicing: Four predict the variant abolishes a 5 splicing donor site. However, these predictions have yet to be confirmed by functional studies. The variant allele was found at a frequency of 6.5e-05 in 277094 control chromosomes (gnomAD). This frequency is not significantly higher than expected for a pathogenic variant in PMM2 causing Congenital Disorder of Glycosylation Type 1a (6.5e-05 vs 0.0056), allowing no conclusion about variant significance. The variant, c.255+2T>C, has been reported in the literature in multiple individuals from families affected with Congenital Disorder of Glycosylation Type 1a (Grunewald_2001, Jones_2013, Le Bizec_2005, Monin_2014). These data indicate that the variant is very likely to be associated with disease. At least one publication reports experimental evidence evaluating an impact on protein function (Grunewald_2001). The most pronounced variant effect results in 10%-<30% of normal activity. Multiple ClinVar submissions from clinical diagnostic laboratories (evaluation after 2014) cites the variant as "likely pathogenic." Based on the evidence outlined above, the variant was classified as pathogenic.

Illumina Laboratory Services, Illumina
Classification: Pathogenic for PMM2-congenital disorder of glycosylation. Last evaluated: 2017-04-27. Review status: criteria provided, single submitter. Criteria: ICSL Variant Classification Criteria 09 May 2019. Collection method: clinical testing. Allele origin: germline.
Comment: The PMM2 c.255+2T>C variant, also known as IVS3+2T>C, occurs in a canonical splice site (donor) and is therefore predicted to disrupt or distort the normal gene product. The c.255+2T>C variant has been reported in eight studies in which it is found in at least seven affected individuals, including two siblings, in a compound heterozygous state with another missense variant, and in one individual with unspecified zygosity (Matthijs et al. 1999; GrÃ¼newald et al. 2001; Briones et al. 2002; Le Bizec et al. 2005; PÃ©rez-DueÃ±as et al. 2009; PÃ©rez et al. 2011; Jones et al. 2013; Monin et al. 2014). Control data are unavailable for this variant, which is reported at a frequency of 0.00011 in the European (non-Finnish) population of the Exome Aggregation Consortium. The phosphomannomutase activity in fibroblasts and leukocytes from patients with the variant was significantly reduced compared to normal (Grunewald et al. 2001; Perez-Duenas et al. 2009). Based on the evidence, the c.255+2T>C variant is classified as pathogenic for congenital disorders of glycosylation. This variant was observed by ICSL as part of a predisposition screen in an ostensibly healthy population.

Clinical Genetics DNA and cytogenetics Diagnostics Lab, Erasmus MC, Erasmus Medical Center
Classification: Pathogenic. Review status: no assertion criteria provided. Collection method: clinical testing. Allele origin: germline. Affected: yes. Study: VKGL Data-share Consensus. Not counted in ClinVar's aggregate classification.

Joint Genome Diagnostic Labs from Nijmegen and Maastricht, Radboudumc and MUMC+
Classification: Pathogenic. Review status: no assertion criteria provided. Collection method: clinical testing. Allele origin: germline. Affected: yes. Study: VKGL Data-share Consensus. Not counted in ClinVar's aggregate classification.

Literature cited by the submitters: PubMed 11156536 (cited by 6 submitters); PubMed 15844218 (cited by 6 submitters); PubMed 16199547 (cited by Labcorp Genetics (formerly Invitae), Labcorp); PubMed 19862844 (cited by Labcorp Genetics (formerly Invitae), Labcorp); PubMed 18948042 (cited by Labcorp Genetics (formerly Invitae), Labcorp and Illumina Laboratory Services, Illumina); PubMed 23806237 (cited by 4 submitters); PubMed 12705494 (cited by 3 submitters); PubMed 10527672 (cited by Ambry Genetics and Illumina Laboratory Services, Illumina); PubMed 31980526 (cited by Ambry Genetics); PubMed 28139241 (cited by Johns Hopkins Genomics, Johns Hopkins University); PubMed 25497157 (cited by Women's Health and Genetics/Laboratory Corporation of America, LabCorp and Illumina Laboratory Services, Illumina); PubMed 23430838 (cited by Illumina Laboratory Services, Illumina).